The following is an entry in ClinVar:

NM_003070.5(SMARCA2):c.677A>C (p.Gln226Pro)

Gene: SMARCA2 (SWI/SNF related BAF chromatin remodeling complex subunit ATPase 2; plus strand). Cytogenetic location: 9p24.3.
Variant type: single nucleotide variant.
Coding change: c.677A>C on transcript NM_003070.5 (MANE Select); coding-DNA position 677, A replaced by C.
Protein change: p.Gln226Pro; replaces glutamine 226 with proline.
Molecular consequence: missense variant.
Genome position (GRCh38, 1-based): chr9:2,039,787, A>C. VCF-style: chr9-2039787-A-C. GRCh37 (hg19) VCF-style: chr9-2039787-A-C.
Other names: c.677A>C, p.Gln226Pro (NM_001289396.2, NM_001289397.2, NM_139045.4); short protein forms Q226P.
Identifiers: ClinVar variation 366199 (VCV000366199.9), dbSNP rs147609454, ClinGen allele CA4962921.
Genomic context (GRCh38, chr9:2,039,787, plus strand): 5'-TCCAGGGGAAAAGGACGTTGCCTGGCTTGCAGCAACAACAGCAGCAGCAACAGCAGCAGC[A>C]GCAGCAGCAGCAGCAGCAGCAGCAGCAGCAACAGCAGCCGCAGCAGCAGCCGCCGCAACC-3'
Protein context (NP_003061.3, residues 216-236): QQQQQQQQQQ[Gln226Pro]QQQQQQQQQQ

ClinVar aggregate classification (germline): Benign/Likely benign. Review status: criteria provided, multiple submitters, no conflicts (2 of 4 stars). 3 submissions from 3 submitters: Benign (1); Likely benign (2). Last evaluated 2019-04-02.

Conditions:
Nicolaides-Baraitser syndrome (NCBRS). Also called: SMARCA2-Related Nicolaides-Baraitser Syndrome; Intellectual disability-sparse hair-brachydactyly syndrome. Identifiers: Orphanet 3051, MedGen C1303073, MONDO:0011053, OMIM 601358.

Allele frequency attached by ClinVar (database versions not stated): gnomAD exomes 0.00004; ExAC 0.00008; gnomAD 0.00015; ESP Exome Variant Server 0.00016; TOPMed 0.00039.
gnomAD v4.1: 36 of 1,572,332 alleles (0.0023%); highest among the groups gnomAD compares: African/African-American, 0.037%; no homozygotes.

Submissions (3):

GeneDx
Classification: Likely benign. Last evaluated: 2019-04-02. Review status: criteria provided, single submitter. Criteria: GeneDx Variant Classification Process June 2021. Collection method: clinical testing. Allele origin: germline. Affected: yes.

Illumina Laboratory Services, Illumina
Classification: Benign for Nicolaides-Baraitser syndrome. Last evaluated: 2018-01-13. Review status: criteria provided, single submitter. Criteria: ICSL Variant Classification Criteria 13 December 2019. Collection method: clinical testing. Allele origin: germline.
Comment: This variant was observed in the ICSL laboratory as part of a predisposition screen in an ostensibly healthy population. It had not been previously curated by ICSL or reported in the Human Gene Mutation Database (HGMD: prior to June 1st, 2018), and was therefore a candidate for classification through an automated scoring system. Utilizing variant allele frequency, disease prevalence and penetrance estimates, and inheritance mode, an automated score was calculated to assess if this variant is too frequent to cause the disease. Based on the score and internal cut-off values, a variant classified as benign is not then subjected to further curation. The score for this variant resulted in a classification of benign for this disease.

Breakthrough Genomics
Classification: Likely benign. Review status: criteria provided, single submitter. Criteria: ACMG Guidelines, 2015. Collection method: not provided. Allele origin: germline. Inheritance: Autosomal dominant inheritance. Affected: yes.